The following is an entry in ClinVar:

NM_000077.5(CDKN2A):c.262G>T (p.Glu88Ter)

Gene: CDKN2A (cyclin dependent kinase inhibitor 2A; minus strand). Cytogenetic location: 9p21.3.
Variant type: single nucleotide variant.
Coding change: c.262G>T on transcript NM_000077.5; coding-DNA position 262, G replaced by T.
Protein change: p.Glu88Ter; replaces glutamic acid 88 with a stop codon.
Molecular consequence: nonsense (on NM_000077.6). On other transcripts: missense variant (1), 3 prime UTR variant (1).
Genome position (GRCh38, 1-based): chr9:21,971,097, C>A on the plus strand (G>T on the coding strand, the complement: CDKN2A is on the minus strand). VCF-style: chr9-21971097-C-A. GRCh37 (hg19) VCF-style: chr9-21971096-C-A.
Other names: c.262G>T, p.Glu88Ter (NM_000077.6, NM_001195132.2); c.109G>T, p.Glu37Ter (NM_001363763.2); c.305G>T, p.Gly102Val (NM_058195.4); c.*185G>T (NM_058197.5); short protein forms E88*, G102V, E37*.
Identifiers: ClinVar variation 376305 (VCV000376305.16), dbSNP rs121913384, ClinGen allele CA16602751.

ClinVar aggregate classification (germline): Pathogenic. Review status: criteria provided, multiple submitters, no conflicts (2 of 4 stars). 2 submissions from 2 submitters: Pathogenic (2). Last evaluated 2023-09-11.
ClinVar aggregate classification (oncogenicity): Oncogenic (1 of 4 stars; one submission).

Conditions:
Hereditary cancer-predisposing syndrome. Also called: Hereditary neoplastic syndrome; Neoplastic Syndromes, Hereditary; Hereditary Cancer Syndrome; Tumor predisposition. Identifiers: Orphanet 140162, MedGen C0027672, MeSH D009386, MONDO:0015356.
Familial melanoma. Also called: Hereditary melanoma; Hereditary cutaneous melanoma. Identifiers: Orphanet 618, MedGen C1512419, MONDO:0018961.
Neoplasm. Also called: tumor; Neoplasms; Neoplasm (disease). Identifiers: MedGen C0027651, MeSH D009369, MONDO:0005070, HP:0002664.

Submissions (5):

Center for Genomic Medicine, Rigshospitalet, Copenhagen University Hospital
Classification: Oncogenic for Neoplasm. Last evaluated: 2026-10-16. Review status: criteria provided, single submitter. Criteria: ClinGen/CGC/VICC Guidelines for Oncogenicity, 2022. Collection method: clinical testing. Allele origin: somatic. Affected: yes.

Labcorp Genetics (formerly Invitae), Labcorp
Classification: Pathogenic for Familial melanoma. Last evaluated: 2023-09-11. Review status: criteria provided, single submitter. Criteria: Invitae Variant Classification Sherloc (09022015). Collection method: clinical testing. Allele origin: germline.
Comment: For these reasons, this variant has been classified as Pathogenic. While the evidence indicates that this variant confers risk of developing CDKN2A (p16INK4a)-associated conditions, its association with risk for developing CDKN2A (p14ARF)-associated conditions is still unclear. Algorithms developed to predict the effect of sequence changes on RNA splicing suggest that this variant may create or strengthen a splice site. ClinVar contains an entry for this variant (Variation ID: 376305). This variant is also known as c.305G>T (p.Gly102Val) in the CDKN2A (p14ARF) transcript. This premature translational stop signal has been observed in individual(s) with melanoma (PMID: 19523171, 26681309). This variant is not present in population databases (gnomAD no frequency). This sequence change creates a premature translational stop signal (p.Glu88*) in the CDKN2A (p16INK4a) gene. It is expected to result in an absent or disrupted protein product. Loss-of-function variants in CDKN2A (p16INK4a) are known to be pathogenic (PMID: 15146471, 16905682). The CDKN2A gene encodes two different proteins, p16INK4a and p14ARF, which are translated from alternative transcripts with different open reading frames. Both transcripts have been analyzed. We report either the variant with the higher classification or default to the CDKN2A (p16INK4a) variant. This report therefore includes the details for the CDKN2A (p16INK4a) variant.

Color Diagnostics, LLC DBA Color Health
Classification: Pathogenic for Hereditary cancer-predisposing syndrome. Last evaluated: 2020-01-15. Review status: criteria provided, single submitter. Criteria: ACMG Guidelines, 2015. Collection method: clinical testing. Allele origin: germline.
Comment: This variant changes 1 nucleotide in exon 2 of the CDKN2A (p16INK4A) gene, creating a premature translation stop signal. This variant is expected to result in an absent or non-functional protein product. To our knowledge, this variant has been reported in two unrelated families from Uruguay affected with hereditary melanoma (PMID: 19523171). This variant has not been identified in the general population by the Genome Aggregation Database (gnomAD). Loss of CDKN2A function is a known mechanism of disease. Based on the available evidence, this variant is classified as Pathogenic.

Dr. Peter K. Rogan Lab, Western University
No classification provided (evidence only). Condition: Squamous cell carcinoma of the head and neck. Review status: no classification provided. Collection method: in vitro. Allele origin: not applicable. Functional consequence: retained intron. Not counted in ClinVar's aggregate classification.

Dr. Peter K. Rogan Lab, Western University
No classification provided (evidence only). Condition: Pancreatic adenocarcinoma. Review status: no classification provided. Collection method: in vitro. Allele origin: not applicable. Functional consequence: retained intron. Not counted in ClinVar's aggregate classification.

Literature cited by the submitters: PubMed 19523171 (cited by Labcorp Genetics (formerly Invitae), Labcorp); PubMed 26681309 (cited by Labcorp Genetics (formerly Invitae), Labcorp); PubMed 15146471 (cited by Labcorp Genetics (formerly Invitae), Labcorp); PubMed 16905682 (cited by Labcorp Genetics (formerly Invitae), Labcorp).